The following is an entry in ClinVar:

NM_144670.6(A2ML1):c.1377C>A (p.Asn459Lys)

Gene: A2ML1 (alpha-2-macroglobulin like 1; plus strand). Cytogenetic location: 12p13.31.
Variant type: single nucleotide variant.
Coding change: c.1377C>A on transcript NM_144670.6 (MANE Select); coding-DNA position 1377, C replaced by A.
Protein change: p.Asn459Lys; replaces asparagine 459 with lysine.
Molecular consequence: missense variant.
Genome position (GRCh38, 1-based): chr12:8,843,262, C>A. VCF-style: chr12-8843262-C-A. GRCh37 (hg19) VCF-style: chr12-8995858-C-A.
Other names: short protein forms N459K.
Identifiers: ClinVar variation 2870215 (VCV002870215.3), dbSNP rs374233026, ClinGen allele CA383825097.
Genomic context (GRCh38, chr12:8,843,262, plus strand): 5'-CCTGCACCTGCGACCCTTCTACAGCACAACCCGCAGCTTCCTTGGCATCCACCGGCTAAA[C>A]GGCCCCTTGAAATGTGGCCAGCCCCAGGAAGTGCTGGTGGATTATTACATCGACCCGGCC-3'
Protein context (NP_653271.3, residues 449-469): TRSFLGIHRL[Asn459Lys]GPLKCGQPQE

ClinVar aggregate classification (germline): Uncertain significance (1 of 4 stars; one submission).

gnomAD v4.1: 2 of 1,614,192 alleles (0.00012%); highest among the groups gnomAD compares: East Asian, 0.0022%; no homozygotes.

Submission:

Labcorp Genetics (formerly Invitae), Labcorp
Classification: Uncertain significance. Last evaluated: 2025-09-14. Review status: criteria provided, single submitter. Criteria: Invitae Variant Classification Sherloc (09022015). Collection method: clinical testing. Allele origin: germline.
Comment: This sequence change replaces asparagine, which is neutral and polar, with lysine, which is basic and polar, at codon 459 of the A2ML1 protein (p.Asn459Lys). This variant is not present in population databases (gnomAD no frequency). This variant has not been reported in the literature in individuals affected with A2ML1-related conditions. ClinVar contains an entry for this variant (Variation ID: 2870215). An algorithm developed to predict the effect of missense changes on protein structure and function outputs the following: PolyPhen-2: "Benign". The lysine amino acid residue is found in multiple mammalian species, which suggests that this missense change does not adversely affect protein function. In summary, the available evidence is currently insufficient to determine the role of this variant in disease. Therefore, it has been classified as a Variant of Uncertain Significance.